The following is an entry in ClinVar:

ClinVar aggregate classification (germline): Uncertain significance (1 of 4 stars; one submission).

Allele frequency attached by ClinVar (database versions not stated): TOPMed 0.00001.

Submission:

Labcorp Genetics (formerly Invitae), Labcorp
Classification: Uncertain significance. Last evaluated: 2024-10-22. Review status: criteria provided, single submitter. Criteria: Invitae Variant Classification Sherloc (09022015). Collection method: clinical testing. Allele origin: germline.
Comment: This sequence change replaces phenylalanine, which is neutral and non-polar, with isoleucine, which is neutral and non-polar, at codon 71 of the NR2E3 protein (p.Phe71Ile). This variant is present in population databases (no rsID available, gnomAD 0.001%). This variant has not been reported in the literature in individuals affected with NR2E3-related conditions. ClinVar contains an entry for this variant (Variation ID: 1718210). Invitae Evidence Modeling of protein sequence and biophysical properties (such as structural, functional, and spatial information, amino acid conservation, physicochemical variation, residue mobility, and thermodynamic stability) indicates that this missense variant is expected to disrupt NR2E3 protein function with a positive predictive value of 80%. In summary, the available evidence is currently insufficient to determine the role of this variant in disease. Therefore, it has been classified as a Variant of Uncertain Significance.

NM_014249.4(NR2E3):c.211T>A (p.Phe71Ile)

Gene: NR2E3 (nuclear receptor subfamily 2 group E member 3; plus strand). Cytogenetic location: 15q23.
Variant type: single nucleotide variant.
Coding change: c.211T>A on transcript NM_014249.4 (MANE Select); coding-DNA position 211, T replaced by A.
Protein change: p.Phe71Ile; replaces phenylalanine 71 with isoleucine.
Molecular consequence: missense variant.
Genome position (GRCh38, 1-based): chr15:71,811,575, T>A. VCF-style: chr15-71811575-T-A. GRCh37 (hg19) VCF-style: chr15-72103915-T-A.
Other names: c.211T>A, p.Phe71Ile (NM_016346.4); short protein forms F71I.
Identifiers: ClinVar variation 1718210 (VCV001718210.5), dbSNP rs995224155, ClinGen allele CA272574852.